The following is an entry in ClinVar:

NM_001111.5(ADAR):c.789C>G (p.Asp263Glu)

Gene: ADAR (adenosine deaminase RNA specific; minus strand). Cytogenetic location: 1q21.3.
Variant type: single nucleotide variant.
Coding change: c.789C>G on transcript NM_001111.5 (MANE Select); coding-DNA position 789, C replaced by G.
Protein change: p.Asp263Glu; replaces aspartic acid 263 with glutamic acid.
Molecular consequence: missense variant. On other transcripts: 5 prime UTR variant (6).
Genome position (GRCh38, 1-based): chr1:154,601,853, G>C on the plus strand (C>G on the coding strand, the complement: ADAR is on the minus strand). VCF-style: chr1-154601853-G-C. GRCh37 (hg19) VCF-style: chr1-154574329-G-C.
Other names: c.-97C>G (NM_001025107.3, NM_001193495.2, NM_001365046.1 and 3 more transcripts); c.816C>G, p.Asp272Glu (NM_001365045.1); c.789C>G, p.Asp263Glu (NM_015840.4, NM_015841.4); short protein forms D272E, D263E.
Identifiers: ClinVar variation 4792509 (VCV004792509.1).
Genomic context (GRCh38, chr1:154,601,853, plus strand): 5'-GGAGTTGCTGTCTTCAGGTTCCAAACCTGGGTCTGAGTTTGGGGATCCTTGGCTATGACT[G>C]TCTGGTCTTACCACTCCGCTGTGCTGGTTCCAAGCCTGAGCTGAGACTGCAATAAAAGGC-3'
Protein context (NP_001102.3, residues 253-273): WNQHSGVVRP[Asp263Glu]SHSQGSPNSD

ClinVar aggregate classification (germline): Uncertain significance (1 of 4 stars; one submission).

Conditions:
Symmetrical dyschromatosis of extremities (DSH). Also called: DYSCHROMATOSIS SYMMETRICA HEREDITARIA 1; RETICULATE ACROPIGMENTATION OF DOHI; SYMMETRIC DYSCHROMATOSIS OF THE EXTREMITIES; Dyschromatosis symmetrica hereditaria. Identifiers: Orphanet 41, MedGen C0406775, MONDO:0007483, OMIM 127400.
Aicardi-Goutieres syndrome 6 (AGS6). Identifiers: Orphanet 51, MedGen C3539013, MONDO:0014007, OMIM 615010.

gnomAD v4.1: 14 of 1,614,102 alleles (0.00087%); highest among the groups gnomAD compares: Non-Finnish European, 0.0012%; no homozygotes.

Submission:

Labcorp Genetics (formerly Invitae), Labcorp
Classification: Uncertain significance for Aicardi-Goutieres syndrome 6; Symmetrical dyschromatosis of extremities. Last evaluated: 2025-08-18. Review status: criteria provided, single submitter. Criteria: Invitae Variant Classification Sherloc (09022015). Collection method: clinical testing. Allele origin: germline.
Comment: This sequence change replaces aspartic acid, which is acidic and polar, with glutamic acid, which is acidic and polar, at codon 263 of the ADAR protein (p.Asp263Glu). This variant is present in population databases (rs773658109, gnomAD 0.0009%). This variant has not been reported in the literature in individuals affected with ADAR-related conditions. An algorithm developed to predict the effect of missense changes on protein structure and function outputs the following: PolyPhen-2: "Not Available". The glutamic acid amino acid residue is found in multiple mammalian species, which suggests that this missense change does not adversely affect protein function. In summary, the available evidence is currently insufficient to determine the role of this variant in disease. Therefore, it has been classified as a Variant of Uncertain Significance.